The following is an entry in ClinVar:

ClinVar aggregate classification (germline): Uncertain significance. Review status: criteria provided, multiple submitters, no conflicts (2 of 4 stars). 2 submissions from 2 submitters: Uncertain significance (2). Last evaluated 2025-06-12.

Allele frequency attached by ClinVar (database versions not stated): ExAC 0.00002; ESP Exome Variant Server 0.00008; gnomAD 0.00011; TOPMed 0.00014; 1000 Genomes Project 0.00020; 1000 Genomes Project 30x 0.00031.
gnomAD v4.1: 39 of 1,564,740 alleles (0.0025%); highest among the groups gnomAD compares: African/African-American, 0.048%; no homozygotes.

Submissions (2):

Labcorp Genetics (formerly Invitae), Labcorp
Classification: Uncertain significance. Last evaluated: 2025-06-12. Review status: criteria provided, single submitter. Criteria: Invitae Variant Classification Sherloc (09022015). Collection method: clinical testing. Allele origin: germline.
Comment: This sequence change replaces valine, which is neutral and non-polar, with leucine, which is neutral and non-polar, at codon 108 of the TPRKB protein (p.Val108Leu). This variant is present in population databases (rs377749247, gnomAD 0.03%). This variant has not been reported in the literature in individuals affected with TPRKB-related conditions. ClinVar contains an entry for this variant (Variation ID: 2473192). An algorithm developed to predict the effect of missense changes on protein structure and function (PolyPhen-2) suggests that this variant is likely to be tolerated. In summary, the available evidence is currently insufficient to determine the role of this variant in disease. Therefore, it has been classified as a Variant of Uncertain Significance.

Ambry Genetics
Classification: Uncertain significance. Last evaluated: 2023-01-11. Review status: criteria provided, single submitter. Criteria: Ambry Variant Classification Scheme 2023. Collection method: clinical testing. Allele origin: germline.

NM_016058.5(TPRKB):c.322G>C (p.Val108Leu)

Gene: TPRKB (TP53RK binding protein; minus strand). Cytogenetic location: 2p13.1.
Variant type: single nucleotide variant.
Coding change: c.322G>C on transcript NM_016058.5 (MANE Select); coding-DNA position 322, G replaced by C.
Protein change: p.Val108Leu; replaces valine 108 with leucine.
Molecular consequence: missense variant.
Genome position (GRCh38, 1-based): chr2:73,730,679, C>G on the plus strand (G>C on the coding strand, the complement: TPRKB is on the minus strand). VCF-style: chr2-73730679-C-G. GRCh37 (hg19) VCF-style: chr2-73957806-C-G.
Other names: c.439G>C, p.Val147Leu (NM_001330386.2, NM_001330387.2); c.322G>C, p.Val108Leu (NM_001330388.2, NM_001330389.2); c.268G>C, p.Val90Leu (NM_001330390.2); c.223G>C, p.Val75Leu (NM_001330391.2, NM_001330392.2); short protein forms V108L, V147L, V75L, V90L.
Identifiers: ClinVar variation 2473192 (VCV002473192.3), dbSNP rs377749247, ClinGen allele CA1716395.